The following is an entry in ClinVar:

ClinVar aggregate classification (germline): Uncertain significance (1 of 4 stars; one submission).

Submission:

Ambry Genetics
Classification: Uncertain significance. Last evaluated: 2023-12-04. Review status: criteria provided, single submitter. Criteria: Ambry Variant Classification Scheme 2023. Collection method: clinical testing. Allele origin: germline.
Comment: The p.K241T variant (also known as c.722A>C), located in coding exon 8 of the BUB1 gene, results from an A to C substitution at nucleotide position 722. The lysine at codon 241 is replaced by threonine, an amino acid with similar properties. This amino acid position is conserved. In addition, this alteration is predicted to be tolerated by in silico analysis. Since supporting evidence is limited at this time, the clinical significance of this alteration remains unclear.

NM_004336.5(BUB1):c.722A>C (p.Lys241Thr)

Gene: BUB1 (BUB1 mitotic checkpoint serine/threonine kinase; minus strand). Cytogenetic location: 2q13.
Variant type: single nucleotide variant.
Coding change: c.722A>C on transcript NM_004336.5 (MANE Select); coding-DNA position 722, A replaced by C.
Protein change: p.Lys241Thr; replaces lysine 241 with threonine.
Molecular consequence: missense variant.
Genome position (GRCh38, 1-based): chr2:110,667,604, T>G on the plus strand (A>C on the coding strand, the complement: BUB1 is on the minus strand). VCF-style: chr2-110667604-T-G. GRCh37 (hg19) VCF-style: chr2-111425181-T-G.
Other names: c.662A>C, p.Lys221Thr (NM_001278616.2); c.722A>C, p.Lys241Thr (NM_001278617.2); short protein forms K221T, K241T.
Identifiers: ClinVar variation 3224117 (VCV003224117.1), dbSNP rs2468028196, ClinGen allele CA348217699.